The following is an entry in ClinVar:

ClinVar aggregate classification (germline): Benign. Review status: criteria provided, multiple submitters, no conflicts (2 of 4 stars). 9 submissions from 9 submitters: Benign (8). 1 of the submissions does not count toward it. Last evaluated 2026-02-02.

Conditions:
Developmental and epileptic encephalopathy, 11 (DEE11). Also called: Early infantile epileptic encephalopathy 11. Identifiers: Orphanet 1934, MedGen C3150987, MONDO:0013388, OMIM 613721.
Seizures, benign familial infantile, 3 (BFIS3). Also called: CONVULSIONS, BENIGN FAMILIAL INFANTILE, 3; Familial neonatal seizures. Identifiers: Orphanet 140927, Orphanet 306, MedGen C1843140, MONDO:0011904, OMIM 607745.

Allele frequency attached by ClinVar (database versions not stated): ESP Exome Variant Server 0.00085; gnomAD 0.00277 and 0.00382; gnomAD exomes 0.00358 and 0.00730; TOPMed 0.00702; ExAC 0.00731; 1000 Genomes Project 30x 0.01562; 1000 Genomes Project 0.01697.
gnomAD v4.1: 5,748 of 1,586,860 alleles (0.36%); highest among the groups gnomAD compares: East Asian, 7.4%; 119 homozygotes.

Submissions (9):

Labcorp Genetics (formerly Invitae), Labcorp
Classification: Benign for Seizures, benign familial infantile, 3; Developmental and epileptic encephalopathy, 11. Last evaluated: 2026-02-02. Review status: criteria provided, single submitter. Criteria: Invitae Variant Classification Sherloc (09022015). Collection method: clinical testing. Allele origin: germline.

Mayo Clinic Laboratories, Mayo Clinic
Classification: Benign. Last evaluated: 2024-09-14. Review status: criteria provided, single submitter. Criteria: ACMG Guidelines, 2015. Collection method: clinical testing. Allele origin: germline. Observed: 5 variant alleles.

Athena Diagnostics
Classification: Benign. Last evaluated: 2019-07-05. Review status: criteria provided, single submitter. Criteria: Athena Diagnostics Criteria. Collection method: clinical testing. Allele origin: germline.

Illumina Laboratory Services, Illumina
Classification: Benign for Seizures, benign familial infantile, 3. Last evaluated: 2018-01-13. Review status: criteria provided, single submitter. Criteria: ICSL Variant Classification Criteria 13 December 2019. Collection method: clinical testing. Allele origin: germline.
Comment: This variant was observed in the ICSL laboratory as part of a predisposition screen in an ostensibly healthy population. It had not been previously curated by ICSL or reported in the Human Gene Mutation Database (HGMD: prior to June 1st, 2018), and was therefore a candidate for classification through an automated scoring system. Utilizing variant allele frequency, disease prevalence and penetrance estimates, and inheritance mode, an automated score was calculated to assess if this variant is too frequent to cause the disease. Based on the score and internal cut-off values, a variant classified as benign is not then subjected to further curation. The score for this variant resulted in a classification of benign for this disease.

Eurofins Ntd Llc (ga)
Classification: Benign. Last evaluated: 2014-09-08. Review status: criteria provided, single submitter. Criteria: EGL Classification Definitions 2015. Collection method: clinical testing. Allele origin: germline. Observed: 1 variant allele, 1 heterozygote.

GeneDx
Classification: Benign. Last evaluated: 2013-05-17. Review status: criteria provided, single submitter. Criteria: GeneDx Variant Classification (06012015). Collection method: clinical testing. Allele origin: germline. Affected: yes.
Comment: This variant is considered likely benign or benign based on one or more of the following criteria: it is a conservative change, it occurs at a poorly conserved position in the protein, it is predicted to be benign by multiple in silico algorithms, and/or has population frequency not consistent with disease.

Breakthrough Genomics
Classification: Benign. Review status: criteria provided, single submitter. Criteria: ACMG Guidelines, 2015. Collection method: not provided. Allele origin: germline. Inheritance: Autosomal dominant inheritance. Affected: yes.

PreventionGenetics, part of Exact Sciences
Classification: Benign. Review status: criteria provided, single submitter. Criteria: ACMG Guidelines, 2015. Collection method: clinical testing. Allele origin: germline.

Genetic Services Laboratory, University of Chicago
Classification: Likely benign for AllHighlyPenetrant. Review status: no assertion criteria provided. Collection method: clinical testing. Allele origin: germline. Inheritance: Autosomal dominant inheritance. Not counted in ClinVar's aggregate classification.
Comment: Likely benign based on allele frequency in 1000 Genomes Project or ESP global frequency and its presence in a patient with a rare or unrelated disease phenotype. NOT Sanger confirmed.

NM_001040142.2(SCN2A):c.387-10G>A

Gene: SCN2A (sodium voltage-gated channel alpha subunit 2; plus strand). Cytogenetic location: 2q24.3.
Variant type: single nucleotide variant.
Coding change: c.387-10G>A on transcript NM_001040142.2 (MANE Select); 10 bases into the intron before coding-DNA position 387, G replaced by A.
Molecular consequence: intron variant.
Genome position (GRCh38, 1-based): chr2:165,307,838, G>A. VCF-style: chr2-165307838-G-A. GRCh37 (hg19) VCF-style: chr2-166164348-G-A.
Other names: p.?; c.387-10G>A (NM_001040143.2, NM_001371246.1, NM_001371247.1 and 1 more transcripts).
Identifiers: ClinVar variation 130221 (VCV000130221.27), dbSNP rs2304015, ClinGen allele CA289022.